The following is an entry in ClinVar:

NM_006642.5(SDCCAG8):c.1956T>C (p.His652=)

Gene: SDCCAG8 (SHH signaling and ciliogenesis regulator SDCCAG8; plus strand). Cytogenetic location: 1q43.
Variant type: single nucleotide variant.
Coding change: c.1956T>C on transcript NM_006642.5 (MANE Select); coding-DNA position 1956, T replaced by C.
Protein change: p.His652=; no amino-acid change (histidine 652 retained).
Molecular consequence: synonymous variant.
Genome position (GRCh38, 1-based): chr1:243,426,529, T>C. VCF-style: chr1-243426529-T-C. GRCh37 (hg19) VCF-style: chr1-243589831-T-C.
Other names: c.1956T>C (NM_006642.3); c.1053T>C, p.His351= (NM_001350246.2, NM_001350247.2, NM_001350251.2); c.2052T>C, p.His684= (NM_001350248.2); c.1662T>C, p.His554= (NM_001350249.2).
Identifiers: ClinVar variation 2047569 (VCV002047569.6), dbSNP rs1020778840, ClinGen allele CA41009611.

ClinVar aggregate classification (germline): Likely benign. Review status: criteria provided, single submitter (1 of 4 stars). 2 submissions from 2 submitters: Likely benign (1). 1 of the submissions does not count toward it. Last evaluated 2025-10-05.

Conditions:
Senior-Loken syndrome 7 (SLSN7). Identifiers: Orphanet 3156, MedGen C3150877, MONDO:0013326, OMIM 613615.
Bardet-Biedl syndrome 16 (BBS16). Identifiers: Orphanet 110, MedGen C3889474, MONDO:0014444, OMIM 615993.
SDCCAG8-related disorder. Also called: SDCCAG8-Related Disorders; SDCCAG8-related condition.

Allele frequency attached by ClinVar (database versions not stated): gnomAD exomes below 0.00001; gnomAD 0.00002; TOPMed 0.00004.
gnomAD v4.1: 4 of 1,613,840 alleles (0.00025%); highest among the groups gnomAD compares: African/African-American, 0.0053%; no homozygotes.

Submissions (2):

Labcorp Genetics (formerly Invitae), Labcorp
Classification: Likely benign for Bardet-Biedl syndrome 16; Senior-Loken syndrome 7. Last evaluated: 2025-10-05. Review status: criteria provided, single submitter. Criteria: Invitae Variant Classification Sherloc (09022015). Collection method: clinical testing. Allele origin: germline.

PreventionGenetics, part of Exact Sciences
Classification: Likely benign for SDCCAG8-related condition. Last evaluated: 2020-07-23. Review status: no assertion criteria provided. Collection method: clinical testing. Allele origin: germline. Not counted in ClinVar's aggregate classification.
Comment: This variant is classified as likely benign based on ACMG/AMP sequence variant interpretation guidelines (Richards et al. 2015 PMID: 25741868, with internal and published modifications).